The following is an entry in ClinVar:

NM_001164508.2(NEB):c.7432-3T>A

Gene: NEB (nebulin; minus strand). Cytogenetic location: 2q23.3.
Variant type: single nucleotide variant.
Coding change: c.7432-3T>A on transcript NM_001164508.2 (MANE Select); 3 bases into the intron before coding-DNA position 7432, T replaced by A.
Molecular consequence: intron variant.
Genome position (GRCh38, 1-based): chr2:151,646,237, A>T on the plus strand (T>A on the coding strand, the complement: NEB is on the minus strand). VCF-style: chr2-151646237-A-T. GRCh37 (hg19) VCF-style: chr2-152502751-A-T.
Other names: c.7432-3T>A (NM_004543.5, NM_001164507.2, NM_001271208.2).
Identifiers: ClinVar variation 3572605 (VCV003572605.1).

ClinVar aggregate classification (germline): Uncertain significance (1 of 4 stars; one submission).

gnomAD v4.1: 7 of 1,564,414 alleles (0.00045%); highest among the groups gnomAD compares: African/African-American, 0.0068%; no homozygotes.

Submission:

GeneDx
Classification: Uncertain significance. Last evaluated: 2024-07-12. Review status: criteria provided, single submitter. Criteria: GeneDx Variant Classification Process June 2021. Collection method: clinical testing. Allele origin: germline. Affected: yes.
Comment: Not observed at significant frequency in large population cohorts (gnomAD); Has not been previously published as pathogenic or benign to our knowledge; In silico analysis suggests this variant may impact gene splicing. In the absence of RNA/functional studies, the actual effect of this sequence change is unknown.